The following is an entry in ClinVar:

ClinVar aggregate classification (germline): Uncertain significance (1 of 4 stars; one submission).

Conditions:
Epilepsy, familial focal, with variable foci 3 (FFEVF3). Identifiers: MedGen C4310708, MONDO:0014925, OMIM 617118.

Submission:

Labcorp Genetics (formerly Invitae), Labcorp
Classification: Uncertain significance for Epilepsy, familial focal, with variable foci 3. Last evaluated: 2023-03-21. Review status: criteria provided, single submitter. Criteria: Invitae Variant Classification Sherloc (09022015). Collection method: clinical testing. Allele origin: germline.
Comment: Advanced modeling of protein sequence and biophysical properties (such as structural, functional, and spatial information, amino acid conservation, physicochemical variation, residue mobility, and thermodynamic stability) performed at Invitae indicates that this missense variant is not expected to disrupt NPRL3 protein function. In summary, the available evidence is currently insufficient to determine the role of this variant in disease. Therefore, it has been classified as a Variant of Uncertain Significance. This sequence change replaces phenylalanine, which is neutral and non-polar, with leucine, which is neutral and non-polar, at codon 520 of the NPRL3 protein (p.Phe520Leu). This variant is not present in population databases (gnomAD no frequency). This variant has not been reported in the literature in individuals affected with NPRL3-related conditions.

NM_001077350.3(NPRL3):c.1558T>C (p.Phe520Leu)

Gene: NPRL3 (NPR3 like, GATOR1 complex subunit; minus strand). Cytogenetic location: 16p13.3.
Variant type: single nucleotide variant.
Coding change: c.1558T>C on transcript NM_001077350.3 (MANE Select); coding-DNA position 1558, T replaced by C.
Protein change: p.Phe520Leu; replaces phenylalanine 520 with leucine.
Molecular consequence: missense variant.
Genome position (GRCh38, 1-based): chr16:86,857, A>G on the plus strand (T>C on the coding strand, the complement: NPRL3 is on the minus strand). VCF-style: chr16-86857-A-G. GRCh37 (hg19) VCF-style: chr16-136856-A-G.
Other names: c.1021T>C, p.Phe341Leu (NM_001039476.3); c.1324T>C, p.Phe442Leu (NM_001243247.2); c.1483T>C, p.Phe495Leu (NM_001243248.2, NM_001243249.2); short protein forms F442L, F341L, F520L, F495L.
Identifiers: ClinVar variation 2846659 (VCV002846659.3), dbSNP rs2542791829, ClinGen allele CA394045734.
Genomic context (GRCh38, chr16:86,857, plus strand): 5'-GCTGGGAGCGCCGCGTGTTCTCGTTGTACATAATCTCCTCCAGGTGGTGGCGGCCGCGGA[A>G]GTAGTGAAGGAGCCTGGAAGGGATGGGTGGGTGTGAGCCCAACCTGACACCAGCCCCCAG-3'
Protein context (NP_001070818.1, residues 510-530): LRMFARLLHY[Phe520Leu]RGRHHLEEIM